The following is an entry in ClinVar:

NM_003072.5(SMARCA4):c.3892G>A (p.Asp1298Asn)

Gene: SMARCA4 (SWI/SNF related BAF chromatin remodeling complex subunit ATPase 4; plus strand). Cytogenetic location: 19p13.2.
Variant type: single nucleotide variant.
Coding change: c.3892G>A on transcript NM_003072.5 (MANE Select); coding-DNA position 3892, G replaced by A.
Protein change: p.Asp1298Asn; replaces aspartic acid 1298 with asparagine.
Molecular consequence: missense variant. On other transcripts: non-coding transcript variant (1).
Genome position (GRCh38, 1-based): chr19:11,034,141, G>A. VCF-style: chr19-11034141-G-A. GRCh37 (hg19) VCF-style: chr19-11144817-G-A.
Other names: c.3892G>A, p.Asp1298Asn (NM_001128844.3, NM_001128849.3, NM_001387283.1); c.3793G>A, p.Asp1265Asn (NM_001128845.2, NM_001128846.2, NM_001128847.4 and 3 more transcripts); short protein forms D1265N, D1298N.
Identifiers: ClinVar variation 3361643 (VCV003361643.2).

ClinVar aggregate classification (germline): Uncertain significance. Review status: criteria provided, multiple submitters, no conflicts (2 of 4 stars). 2 submissions from 2 submitters: Uncertain significance (2). Last evaluated 2025-10-06.

Conditions:
Rhabdoid tumor predisposition syndrome 2 (RTPS2). Identifiers: Orphanet 231108, Orphanet 69077, MedGen C2750074, MONDO:0013224, OMIM 613325.

Submissions (2):

Labcorp Genetics (formerly Invitae), Labcorp
Classification: Uncertain significance for Rhabdoid tumor predisposition syndrome 2. Last evaluated: 2025-10-06. Review status: criteria provided, single submitter. Criteria: Invitae Variant Classification Sherloc (09022015). Collection method: clinical testing. Allele origin: germline.
Comment: This sequence change replaces aspartic acid, which is acidic and polar, with asparagine, which is neutral and polar, at codon 1298 of the SMARCA4 protein (p.Asp1298Asn). This variant is not present in population databases (gnomAD no frequency). This missense change has been observed in individual(s) with SMARCA4-related conditions (PMID: 35579625, 37500730). ClinVar contains an entry for this variant (Variation ID: 3361643). Invitae Evidence Modeling of protein sequence and biophysical properties (such as structural, functional, and spatial information, amino acid conservation, physicochemical variation, residue mobility, and thermodynamic stability) indicates that this missense variant is expected to disrupt SMARCA4 protein function with a positive predictive value of 95%. In summary, the available evidence is currently insufficient to determine the role of this variant in disease. Therefore, it has been classified as a Variant of Uncertain Significance.

GeneDx
Classification: Uncertain significance. Last evaluated: 2023-07-24. Review status: criteria provided, single submitter. Criteria: GeneDx Variant Classification Process June 2021. Collection method: clinical testing. Allele origin: germline. Affected: yes.
Comment: Not observed at significant frequency in large population cohorts (gnomAD); In silico analysis supports that this missense variant has a deleterious effect on protein structure/function; Observed as de novo in an infant with unspecified multiple congenital anomalies (van der Sluijs et al., 2022); This variant is associated with the following publications: (PMID: 35579625)

Literature cited by the submitters: PubMed 35579625 (cited by Labcorp Genetics (formerly Invitae), Labcorp); PubMed 37500730 (cited by Labcorp Genetics (formerly Invitae), Labcorp).